The following is an entry in ClinVar:

NM_000719.7(CACNA1C):c.5747A>G (p.Gln1916Arg)

Genes: CACNA1C (calcium voltage-gated channel subunit alpha1 C; plus strand), CACNA1C-AS1 (CACNA1C antisense RNA 1; minus strand). Cytogenetic location: 12p13.33.
Variant type: single nucleotide variant.
Coding change: c.5747A>G on transcript NM_000719.7 (MANE Select); coding-DNA position 5747, A replaced by G.
Protein change: p.Gln1916Arg; replaces glutamine 1916 with arginine.
Molecular consequence: missense variant.
Genome position (GRCh38, 1-based): chr12:2,686,232, A>G. VCF-style: chr12-2686232-A-G. GRCh37 (hg19) VCF-style: chr12-2795398-A-G.
Other names: c.5891A>G, p.Gln1964Arg (NM_001129827.2); c.5870A>G, p.Gln1957Arg (NM_001129829.2); c.5852A>G, p.Gln1951Arg (NM_001129830.3, NM_001167624.3); c.5831A>G, p.Gln1944Arg (NM_001129831.2); c.5807A>G, p.Gln1936Arg (NM_001129832.2); c.5804A>G, p.Gln1935Arg (NM_001129833.2, NM_001129834.2, NM_001129835.2); c.5798A>G, p.Gln1933Arg (NM_001129836.2); c.5771A>G, p.Gln1924Arg (NM_001129837.2, NM_001129838.2); and 6 more; short protein forms Q1916R, Q1951R, Q1964R, Q1924R, Q1933R, Q1936R, Q1944R, Q1957R.
Identifiers: ClinVar variation 263515 (VCV000263515.18), dbSNP rs186867242, ClinGen allele CA6389963.

ClinVar aggregate classification (germline): Conflicting classifications of pathogenicity. Review status: criteria provided, conflicting classifications (1 of 4 stars). 4 submissions from 4 submitters: Uncertain significance (1); Likely benign (3). Last evaluated 2026-07-24.

Conditions:
CACNA1C-related disorder. Also called: CACNA1C-related disorders; CACNA1C-related condition. Identifiers: MedGen CN381092, MONDO:0700321.
Cardiovascular phenotype. Identifiers: MedGen CN230736.
Long QT syndrome (LQTS). Identifiers: MedGen C0023976, MeSH D008133, MONDO:0002442. Disease mechanism: loss of function. Inheritance: Various modes of inheritance.

Allele frequency attached by ClinVar (database versions not stated): TOPMed 0.00012; ExAC 0.00015; gnomAD 0.00005 and 0.00016; 1000 Genomes Project 0.00080; gnomAD exomes 0.00017 and 0.00022; 1000 Genomes Project 30x 0.00078.
gnomAD v4.1: 272 of 1,613,314 alleles (0.017%); highest among the groups gnomAD compares: East Asian, 0.58%; no homozygotes.

Submissions (4):

PreventionGenetics, part of Exact Sciences
Classification: Likely benign for CACNA1C-related condition. Last evaluated: 2026-07-24. Review status: criteria provided, single submitter. Criteria: ACMG Guidelines, 2015. Collection method: clinical testing. Allele origin: germline.
Comment: This variant is classified as likely benign based on ACMG/AMP sequence variant interpretation guidelines (Richards et al. 2015 PMID: 25741868, with internal and published modifications).

Labcorp Genetics (formerly Invitae), Labcorp
Classification: Likely benign for Long QT syndrome. Last evaluated: 2026-01-14. Review status: criteria provided, single submitter. Criteria: Invitae Variant Classification Sherloc (09022015). Collection method: clinical testing. Allele origin: germline.

Women's Health and Genetics/Laboratory Corporation of America, LabCorp
Classification: Uncertain significance. Last evaluated: 2019-02-25. Review status: criteria provided, single submitter. Criteria: LabCorp Variant Classification Summary - May 2015. Collection method: clinical testing. Allele origin: germline.
Comment: Variant summary: The variant, CACNA1C c.5747A>G (p.Gln1916Arg) results in a conservative amino acid change located in the Voltage-gated calcium channel subunit alpha, C-terminal domain of the encoded protein sequence. Four of five in-silico tools predict a benign effect of the variant on protein function. The variant allele was found at a frequency of 0.00021 in 277978 control chromosomes, predominantly at a frequency of 0.0029 within the East Asian subpopulation in the gnomAD database. The observed variant frequency within East Asian control individuals in the gnomAD database is approximately 290 fold of the estimated maximal expected allele frequency for a pathogenic variant in CACNA1C causing Arrhythmia phenotype (1e-05), strongly suggesting that the variant is a benign polymorphism found primarily in populations of East Asian origin. The variant, c.5747A>G has been reported in the literature in individuals affected with sudden cardiac death, sudden unexplained death syndrome and congenital long-QT syndrome (Liu_2017, Hata_2016, Chae_2017) including one large family study that showed incomplete penetrance for the variant. However, all these studies were of the same ethnic compoisition as seen in the control databases. Therefore, these reports do not provide unequivocal evidence supporting a deleterious outcome. Electrophysiological experiments using CACNA1C-Q1916R protein showed a reduction in amplitude of the current produced by the L-type calcium channel current. Moreover, in a human ventricular cell model used to stimulate action potential of endocardium and epicardium, the variant showed a 30% reduction in the conductance of the total ICa-L and AP duration at the level of 90% repolarization was reduced by 14.29% compared to WT (Liu_2017). A ClinVar submissions from a clinical diagnostic laboratory (evaluation after 2014) cites the variant as likely benign, however, this was submitted prior to the Liu_2017 publication. Based on the evidence outlined above, the variant was classified as VUS - possibly benign.

Ambry Genetics
Classification: Likely benign for Cardiovascular phenotype. Last evaluated: 2017-04-11. Review status: criteria provided, single submitter. Criteria: Ambry Variant Classification Scheme 2023. Collection method: clinical testing. Allele origin: germline.

Literature cited by the submitters: PubMed 27871843 (cited by Women's Health and Genetics/Laboratory Corporation of America, LabCorp); PubMed 28493952 (cited by Women's Health and Genetics/Laboratory Corporation of America, LabCorp); PubMed 27005929 (cited by Women's Health and Genetics/Laboratory Corporation of America, LabCorp).